The following is an entry in ClinVar:

ClinVar aggregate classification (germline): Likely benign (1 of 4 stars; one submission).

gnomAD v4.1: 195 of 293,822 alleles (0.066%); highest among the groups gnomAD compares: Middle Eastern, 0.2%; no homozygotes.

Submission:

CeGaT Center for Human Genetics Tuebingen
Classification: Likely benign. Last evaluated: 2026-10-01. Review status: criteria provided, single submitter. Criteria: CeGaT Center For Human Genetics Tuebingen Variant Classification Criteria Version 2. Collection method: clinical testing. Allele origin: germline. Affected: yes. Observed: 2 variant alleles.
Comment: TMEM271: BP4, BP7

NM_001362796.2(TMEM271):c.558G>C (p.Ala186=)

Gene: TMEM271 (transmembrane protein 271; minus strand). Cytogenetic location: 4p16.3.
Variant type: single nucleotide variant.
Coding change: c.558G>C on transcript NM_001362796.2 (MANE Select); coding-DNA position 558, G replaced by C.
Protein change: p.Ala186=; no amino-acid change (alanine 186 retained).
Molecular consequence: synonymous variant.
Genome position (GRCh38, 1-based): chr4:575,505, C>G on the plus strand (G>C on the coding strand, the complement: TMEM271 is on the minus strand). VCF-style: chr4-575505-C-G. GRCh37 (hg19) VCF-style: chr4-569294-C-G.
Identifiers: ClinVar variation 4534193 (VCV004534193.6).
Genomic context (GRCh38, chr4:575,505, plus strand): 5'-GGCGGACGTGGCGCTGTCCAGGGTGCTGCGAGCGCGCGGGGCGCCGGGGGCCGAGCCCGG[C>G]GCCGAGCCGGGGGCCGAGCCCGGGGCCGAGCCGGGGGTTGAGCCCGGGGCCGAGCCGGGG-3'
Protein context (NP_001349725.1, residues 176-196): GSAPGSAPGS[Ala186=]PGSAPGAPRA